The following is an entry in ClinVar:

ClinVar aggregate classification (germline): Uncertain significance (1 of 4 stars; one submission).

Allele frequency attached by ClinVar (database versions not stated): TOPMed below 0.00001; gnomAD 0.00001; ExAC 0.00002; gnomAD exomes 0.00003; 1000 Genomes Project 30x 0.00016; 1000 Genomes Project 0.00020.
gnomAD v4.1: 38 of 1,612,928 alleles (0.0024%); highest among the groups gnomAD compares: Non-Finnish European, 0.0031%; no homozygotes.

Submission:

Labcorp Genetics (formerly Invitae), Labcorp
Classification: Uncertain significance. Last evaluated: 2024-04-30. Review status: criteria provided, single submitter. Criteria: Invitae Variant Classification Sherloc (09022015). Collection method: clinical testing. Allele origin: germline.
Comment: This sequence change replaces glutamic acid, which is acidic and polar, with lysine, which is basic and polar, at codon 3 of the AK7 protein (p.Glu3Lys). This variant is present in population databases (rs563271490, gnomAD 0.004%). This variant has not been reported in the literature in individuals affected with AK7-related conditions. Experimental studies and prediction algorithms are not available or were not evaluated, and the functional significance of this variant is currently unknown. In summary, the available evidence is currently insufficient to determine the role of this variant in disease. Therefore, it has been classified as a Variant of Uncertain Significance.

NM_152327.5(AK7):c.7G>A (p.Glu3Lys)

Genes: AK7 (adenylate kinase 7; plus strand), LOC130056398 (ATAC-STARR-seq lymphoblastoid silent region 6054; plus strand). Cytogenetic location: 14q32.2.
Variant type: single nucleotide variant.
Coding change: c.7G>A on transcript NM_152327.5 (MANE Select); coding-DNA position 7, G replaced by A.
Protein change: p.Glu3Lys; replaces glutamic acid 3 with lysine.
Molecular consequence: missense variant.
Genome position (GRCh38, 1-based): chr14:96,392,161, G>A. VCF-style: chr14-96392161-G-A. GRCh37 (hg19) VCF-style: chr14-96858498-G-A.
Other names: c.7G>A, p.Glu3Lys (NM_001350888.2, NM_001350890.2, NM_001350891.2 and 1 more transcripts); short protein forms E3K.
Identifiers: ClinVar variation 2892751 (VCV002892751.3), dbSNP rs563271490, ClinGen allele CA7337305.
Genomic context (GRCh38, chr14:96,392,161, plus strand): 5'-CCTCCTTGGCAAGCGAGTGGCGCTTTCACCTTAGCAACCAGCGCGGCTCCCACCATGGCT[G>A]AAGAAGAGGAAACTGCTGCTCTCACGGAGAAGGTTATCCGGACCCAGAGGGTGTTTATAA-3'
Protein context (NP_689540.2, residues 1-13): MA[Glu3Lys]EEETAALTEK